The following is an entry in ClinVar:

NM_018105.3(THAP1):c.72-10_72-9delinsGC

Gene: THAP1 (THAP domain containing 1; minus strand). Cytogenetic location: 8p11.21.
Variant type: Indel.
Coding change: c.72-10_72-9delinsGC on transcript NM_018105.3 (MANE Select); 10 bases into the intron before coding-DNA position 72 through 9 bases into the intron before coding-DNA position 72, TT replaced by GC.
Molecular consequence: intron variant.
Genome position (GRCh38, 1-based): chr8:42,839,390-42,839,391, AA replaced by GC on the plus strand (TT replaced by GC on the coding strand, the reverse complement: THAP1 is on the minus strand). VCF-style: chr8-42839390-AA-GC. GRCh37 (hg19) VCF-style: chr8-42694533-AA-GC.
Other names: c.72-10_72-9delinsGC (NM_018105.2); c.72-1055_72-1054delinsGC (NM_199003.2).
Identifiers: ClinVar variation 651723 (VCV000651723.2), dbSNP rs1586457124, ClinGen allele CA915945678.

ClinVar aggregate classification (germline): Uncertain significance (1 of 4 stars; one submission).

Conditions:
Torsion dystonia 6 (DYT6). Also called: DYT-THAP1. Identifiers: Orphanet 98806, MedGen C1414216, MONDO:0011264, OMIM 602629.

Submission:

Labcorp Genetics (formerly Invitae), Labcorp
Classification: Uncertain significance for Torsion dystonia 6. Last evaluated: 2019-07-03. Review status: criteria provided, single submitter. Criteria: Invitae Variant Classification Sherloc (09022015). Collection method: clinical testing. Allele origin: germline.
Comment: This sequence change falls in intron 1 of the THAP1 gene. It does not directly change the encoded amino acid sequence of the THAP1 protein. This variant is not present in population databases (ExAC no frequency). This variant has not been reported in the literature in individuals with THAP1-related disease. Algorithms developed to predict the effect of sequence changes on RNA splicing suggest that this variant may disrupt the consensus splice site, but this prediction has not been confirmed by published transcriptional studies. In summary, the available evidence is currently insufficient to determine the role of this variant in disease. Therefore, it has been classified as a Variant of Uncertain Significance.